The following is an entry in ClinVar:

ClinVar aggregate classification (germline): Uncertain significance (1 of 4 stars; one submission).

Submission:

GeneDx
Classification: Uncertain significance. Last evaluated: 2026-03-06. Review status: criteria provided, single submitter. Criteria: GeneDx Variant Classification Process June 2021. Collection method: clinical testing. Allele origin: germline.
Comment: Not observed at significant frequency in large population cohorts (gnomAD); Missense variant in a gene in which most reported pathogenic variants are truncating/loss of function; Has not been previously published as pathogenic or benign to our knowledge

NM_001267550.2(TTN):c.34507C>T (p.Leu11503Phe)

Gene: TTN (titin; minus strand). Cytogenetic location: 2q31.2.
Variant type: single nucleotide variant.
Coding change: c.34507C>T on transcript NM_001267550.2 (MANE Select); coding-DNA position 34507, C replaced by T.
Protein change: p.Leu11503Phe; replaces leucine 11503 with phenylalanine.
Molecular consequence: missense variant. On other transcripts: intron variant (5).
Genome position (GRCh38, 1-based): chr2:178,675,701, G>A on the plus strand (C>T on the coding strand, the complement: TTN is on the minus strand). VCF-style: chr2-178675701-G-A. GRCh37 (hg19) VCF-style: chr2-179540428-G-A.
Other names: c.13283-33384C>T (NM_003319.4); c.13859-33384C>T (NM_133437.4); c.13658-33384C>T (NM_133432.3); c.30634+220C>T (NM_133378.4); c.33415+220C>T (NM_001256850.1); short protein forms L11503F.
Identifiers: ClinVar variation 4888113 (VCV004888113.1).